The following is an entry in ClinVar:

NM_014679.5(CEP57):c.1343G>A (p.Arg448Lys)

Gene: CEP57 (centrosomal protein 57; plus strand). Cytogenetic location: 11q21.
Variant type: single nucleotide variant.
Coding change: c.1343G>A on transcript NM_014679.5 (MANE Select); coding-DNA position 1343, G replaced by A.
Protein change: p.Arg448Lys; replaces arginine 448 with lysine.
Molecular consequence: missense variant.
Genome position (GRCh38, 1-based): chr11:95,831,096, G>A. VCF-style: chr11-95831096-G-A. GRCh37 (hg19) VCF-style: chr11-95564260-G-A.
Other names: c.1316G>A, p.Arg439Lys (NM_001243776.2); c.1265G>A, p.Arg422Lys (NM_001243777.2); c.1262G>A, p.Arg421Lys (NM_001363604.2); short protein forms R422K, R439K, R448K, R421K.
Identifiers: ClinVar variation 3831939 (VCV003831939.1).

ClinVar aggregate classification (germline): Uncertain significance (1 of 4 stars; one submission).

Conditions:
Inborn genetic diseases. Identifiers: MedGen C0950123, MeSH D030342.

Submission:

Ambry Genetics
Classification: Uncertain significance for Inborn genetic diseases. Last evaluated: 2024-12-17. Review status: criteria provided, single submitter. Criteria: Ambry Variant Classification Scheme 2023. Collection method: clinical testing. Allele origin: germline.
Comment: The p.R448K variant (also known as c.1343G>A), located in coding exon 11 of the CEP57 gene, results from a G to A substitution at nucleotide position 1343. The arginine at codon 448 is replaced by lysine, an amino acid with highly similar properties. This amino acid position is conserved. In addition, this alteration is predicted to be tolerated by in silico analysis. Based on the available evidence, the clinical significance of this variant remains unclear.